The following is an entry in ClinVar:

ClinVar aggregate classification (germline): Uncertain significance. Review status: criteria provided, multiple submitters, no conflicts (2 of 4 stars). 2 submissions from 2 submitters: Uncertain significance (2). Last evaluated 2025-08-29.

Conditions:
Cardiovascular phenotype. Identifiers: MedGen CN230736.
Brugada syndrome 8 (BRGDA8). Identifiers: Orphanet 130, MedGen C2751083, MONDO:0013148, OMIM 613123.

Allele frequency attached by ClinVar (database versions not stated): gnomAD exomes below 0.00001 and 0.00001; ExAC 0.00002; gnomAD 0.00002 and 0.00003; TOPMed 0.00004; 1000 Genomes Project 0.00020; 1000 Genomes Project 30x 0.00031.
gnomAD v4.1: 5 of 1,604,298 alleles (0.00031%); highest among the groups gnomAD compares: African/African-American, 0.0053%; no homozygotes.

Submissions (2):

Labcorp Genetics (formerly Invitae), Labcorp
Classification: Uncertain significance for Brugada syndrome 8. Last evaluated: 2025-08-29. Review status: criteria provided, single submitter. Criteria: Invitae Variant Classification Sherloc (09022015). Collection method: clinical testing. Allele origin: germline.
Comment: This sequence change replaces alanine, which is neutral and non-polar, with valine, which is neutral and non-polar, at codon 869 of the HCN4 protein (p.Ala869Val). The frequency data for this variant in the population databases is considered unreliable, as metrics indicate poor data quality at this position in the gnomAD database. This variant has not been reported in the literature in individuals affected with HCN4-related conditions. ClinVar contains an entry for this variant (Variation ID: 839470). Invitae Evidence Modeling of protein sequence and biophysical properties (such as structural, functional, and spatial information, amino acid conservation, physicochemical variation, residue mobility, and thermodynamic stability) indicates that this missense variant is not expected to disrupt HCN4 protein function with a negative predictive value of 95%. In summary, the available evidence is currently insufficient to determine the role of this variant in disease. Therefore, it has been classified as a Variant of Uncertain Significance.

Ambry Genetics
Classification: Uncertain significance for Cardiovascular phenotype. Last evaluated: 2024-08-05. Review status: criteria provided, single submitter. Criteria: Ambry Variant Classification Scheme 2023. Collection method: clinical testing. Allele origin: germline.

NM_005477.3(HCN4):c.2606C>T (p.Ala869Val)

Gene: HCN4 (hyperpolarization activated cyclic nucleotide gated potassium channel 4; minus strand). Cytogenetic location: 15q24.1.
Variant type: single nucleotide variant.
Coding change: c.2606C>T on transcript NM_005477.3 (MANE Select); coding-DNA position 2606, C replaced by T.
Protein change: p.Ala869Val; replaces alanine 869 with valine.
Molecular consequence: missense variant.
Genome position (GRCh38, 1-based): chr15:73,323,487, G>A on the plus strand (C>T on the coding strand, the complement: HCN4 is on the minus strand). VCF-style: chr15-73323487-G-A. GRCh37 (hg19) VCF-style: chr15-73615828-G-A.
Other names: short protein forms A869V.
Identifiers: ClinVar variation 839470 (VCV000839470.9), dbSNP rs540848262, ClinGen allele CA7648991.
Genomic context (GRCh38, chr15:73,323,487, plus strand): 5'-GAGCCACAGGCCCCGGGGGGTGGGGAGGAGCTGGATGAGGGCAGGAGTGGGCTCAGTCCA[G>A]CGGGGGCAGAGAATCCAGCCAGCTGTTGGATGTGGAAGGAGGATGAAGACGGTGTGTCCA-3'
Protein context (NP_005468.1, residues 859-879): IQQLAGFSAP[Ala869Val]GLSPLLPSSS